The following is an entry in ClinVar:

NM_001048174.2(MUTYH):c.1036A>T (p.Thr346Ser)

Gene: MUTYH (mutY DNA glycosylase; minus strand). Cytogenetic location: 1p34.1.
Variant type: single nucleotide variant.
Coding change: c.1036A>T on transcript NM_001048174.2 (MANE Select); coding-DNA position 1036, A replaced by T.
Protein change: p.Thr346Ser; replaces threonine 346 with serine.
Molecular consequence: missense variant. On other transcripts: non-coding transcript variant (7).
Genome position (GRCh38, 1-based): chr1:45,331,727, T>A on the plus strand (A>T on the coding strand, the complement: MUTYH is on the minus strand). VCF-style: chr1-45331727-T-A. GRCh37 (hg19) VCF-style: chr1-45797399-T-A.
Other names: c.1120A>T, p.Thr374Ser (NM_001128425.2); c.1081A>T, p.Thr361Ser (NM_001293190.2); c.1069A>T, p.Thr357Ser (NM_001293191.2, NM_001407069.1, NM_001407077.1); c.760A>T, p.Thr254Ser (NM_001293192.2, NM_001293196.2, NM_001407091.1); c.1036A>T, p.Thr346Ser (NM_001293195.2, NM_001407088.1, NM_001407089.1 and 6 more transcripts); c.691A>T, p.Thr231Ser (NM_001350650.2, NM_001350651.2, NM_001407082.1); c.1078A>T, p.Thr360Ser (NM_001407083.1, NM_001407085.1); c.1039A>T, p.Thr347Ser (NM_001407086.1, NM_001048172.2, NM_001407071.1 and 1 more transcripts); and 5 more; short protein forms T333S, T254S, T332S, T360S, T361S, T374S, T318S, T347S.
Identifiers: ClinVar variation 4113033 (VCV004113033.1).

ClinVar aggregate classification (germline): Uncertain significance (1 of 4 stars; one submission).

Conditions:
Hereditary cancer-predisposing syndrome. Also called: Tumor predisposition; Neoplastic Syndromes, Hereditary; Hereditary neoplastic syndrome; Hereditary Cancer Syndrome. Identifiers: Orphanet 140162, MedGen C0027672, MeSH D009386, MONDO:0015356.

Submission:

Ambry Genetics
Classification: Uncertain significance for Hereditary cancer-predisposing syndrome. Last evaluated: 2025-08-27. Review status: criteria provided, single submitter. Criteria: Ambry Variant Classification Scheme 2023. Collection method: clinical testing. Allele origin: germline.
Comment: The p.T374S variant (also known as c.1120A>T), located in coding exon 12 of the MUTYH gene, results from an A to T substitution at nucleotide position 1120. The threonine at codon 374 is replaced by serine, an amino acid with similar properties. This amino acid position is conserved. In addition, this alteration is predicted to be tolerated by in silico analysis. Based on the available evidence, the clinical significance of this variant remains unclear.